The following is an entry in ClinVar:

ClinVar aggregate classification (germline): Uncertain significance. Review status: criteria provided, multiple submitters, no conflicts (2 of 4 stars). 2 submissions from 2 submitters: Uncertain significance (2). Last evaluated 2024-09-25.

Conditions:
Inborn genetic diseases. Identifiers: MedGen C0950123, MeSH D030342.

Allele frequency attached by ClinVar (database versions not stated): TOPMed 0.00001; ExAC 0.00002; gnomAD 0.00002; gnomAD exomes 0.00003; ESP Exome Variant Server 0.00008.
gnomAD v4.1: 48 of 1,613,404 alleles (0.003%); highest among the groups gnomAD compares: Non-Finnish European, 0.0036%; no homozygotes.

Submissions (2):

Ambry Genetics
Classification: Uncertain significance for Inborn genetic diseases. Last evaluated: 2024-09-25. Review status: criteria provided, single submitter. Criteria: Ambry Variant Classification Scheme 2023. Collection method: clinical testing. Allele origin: germline.

Labcorp Genetics (formerly Invitae), Labcorp
Classification: Uncertain significance. Last evaluated: 2022-03-21. Review status: criteria provided, single submitter. Criteria: Invitae Variant Classification Sherloc (09022015). Collection method: clinical testing. Allele origin: germline.
Comment: This sequence change replaces valine, which is neutral and non-polar, with isoleucine, which is neutral and non-polar, at codon 2736 of the PCLO protein (p.Val2736Ile). This variant is present in population databases (rs374360990, gnomAD 0.004%). This variant has not been reported in the literature in individuals affected with PCLO-related conditions. Algorithms developed to predict the effect of missense changes on protein structure and function are either unavailable or do not agree on the potential impact of this missense change (SIFT: "Tolerated"; PolyPhen-2: "Not Available"; Align-GVGD: "Class C0"). In summary, the available evidence is currently insufficient to determine the role of this variant in disease. Therefore, it has been classified as a Variant of Uncertain Significance.

NM_033026.6(PCLO):c.8206G>A (p.Val2736Ile)

Gene: PCLO (piccolo presynaptic cytomatrix protein; minus strand). Cytogenetic location: 7q21.11.
Variant type: single nucleotide variant.
Coding change: c.8206G>A on transcript NM_033026.6 (MANE Select); coding-DNA position 8206, G replaced by A.
Protein change: p.Val2736Ile; replaces valine 2736 with isoleucine.
Molecular consequence: missense variant.
Genome position (GRCh38, 1-based): chr7:82,952,747, C>T on the plus strand (G>A on the coding strand, the complement: PCLO is on the minus strand). VCF-style: chr7-82952747-C-T. GRCh37 (hg19) VCF-style: chr7-82582063-C-T.
Other names: c.8206G>A, p.Val2736Ile (NM_014510.3); c.8206G>A (NM_033026.5); short protein forms V2736I.
Identifiers: ClinVar variation 2178138 (VCV002178138.2), dbSNP rs374360990, ClinGen allele CA4320163.
Genomic context (GRCh38, chr7:82,952,747, plus strand): 5'-TTTTCACATCCATTGTAGAAGCAGAAAGATCAATACATTTATCAGTTGTTTTAACTTCTA[C>T]CTTTGGTACTGTACGCAAATCAATTACATCACCAACAAGTTGCAATTTTCCATCTTCTTT-3'
Protein context (NP_149015.2, residues 2726-2746): DVIDLRTVPK[Val2736Ile]EVKTTDKCID